The following is an entry in ClinVar:

NM_001184727.2(GPRASP1):c.197T>A (p.Val66Asp)

Genes: ARMCX5-GPRASP2 (ARMCX5-GPRASP2 readthrough; plus strand), GPRASP1 (G protein-coupled receptor associated sorting protein 1; plus strand). Cytogenetic location: Xq22.1.
Variant type: single nucleotide variant.
Coding change: c.197T>A on transcript NM_001184727.2 (MANE Select); coding-DNA position 197, T replaced by A.
Protein change: p.Val66Asp; replaces valine 66 with aspartic acid.
Molecular consequence: missense variant. On other transcripts: intron variant (2).
Genome position (GRCh38, 1-based): chrX:102,654,110, T>A. VCF-style: chrX-102654110-T-A. GRCh37 (hg19) VCF-style: chrX-101909038-T-A.
Other names: c.197T>A, p.Val66Asp (NM_001099410.2, NM_001099411.2, NM_014710.5); c.-480+48457T>A (NM_001199818.1); c.-966+48457T>A (NM_001350268.2); short protein forms V66D.
Identifiers: ClinVar variation 1299435 (VCV001299435.4), dbSNP rs2147654979, ClinGen allele CA414057536.

ClinVar aggregate classification (germline): Uncertain significance (1 of 4 stars; one submission).

Submission:

Illumina Laboratory Services, Illumina
Classification: Uncertain significance. Last evaluated: 2021-09-22. Review status: criteria provided, single submitter. Criteria: ICSLVariantClassificationCriteria RUGD 01 April 2020. Collection method: clinical testing. Allele origin: unknown.
Comment: The GPRASP1 c.197T>A (p.Val66Asp) variant is a missense variant. A literature search was performed for the gene, cDNA change, and amino acid change. No publications were found based on this search. This variant is not found in version 2.1.1 or version 3.1.1 of the Genome Aggregation Database despite its location in a region of good sequencing coverage, which suggest the variant is rare. Multiple lines of computational evidence suggest that this variant will have no impact on the gene or gene product, though these predictions have not been confirmed experimentally. Based on the available evidence, the p.Val66Asp variant is classified as a variant of uncertain significance.